The following is an entry in ClinVar:

NM_145045.5(ODAD3):c.367-1G>A

Gene: ODAD3 (outer dynein arm docking complex subunit 3; minus strand). Cytogenetic location: 19p13.2.
Variant type: single nucleotide variant.
Coding change: c.367-1G>A on transcript NM_145045.5 (MANE Select); the canonical splice acceptor site of the intron before coding-DNA position 367, G replaced by A.
Molecular consequence: splice acceptor variant. On other transcripts: intron variant (1).
Genome position (GRCh38, 1-based): chr19:11,430,777, C>T on the plus strand (G>A on the coding strand, the complement: ODAD3 is on the minus strand). VCF-style: chr19-11430777-C-T. GRCh37 (hg19) VCF-style: chr19-11541597-C-T.
Other names: c.205-1G>A (NM_001302453.1); c.366+122G>A (NM_001302454.2).
Identifiers: ClinVar variation 1959852 (VCV001959852.5), dbSNP rs1186608353, ClinGen allele CA404126974.
Genomic context (GRCh38, chr19:11,430,777, plus strand): 5'-CAGGTATGGCTTCTCCCACTTCCATTCGCGAATCACTGCCTGGACCACTTTCTCATCTCC[C>T]TGCAAGGAGGGAAGTCCAGTCACCTTTCAGCATGCCACCTCCAGCTAAGGCCAGGTGCTA-3'

ClinVar aggregate classification (germline): Likely pathogenic (1 of 4 stars; one submission).

Conditions:
Primary ciliary dyskinesia 30. Also called: CILIARY DYSKINESIA, PRIMARY, 30, WITH OR WITHOUT SITUS INVERSUS. Identifiers: Orphanet 244, MedGen C4015016, MONDO:0014465, OMIM 616037.

gnomAD v4.1: 3 of 1,613,980 alleles (0.00019%); highest among the groups gnomAD compares: Non-Finnish European, 0.00025%; no homozygotes.

Submission:

Labcorp Genetics (formerly Invitae), Labcorp
Classification: Likely pathogenic for Primary ciliary dyskinesia 30. Last evaluated: 2022-09-16. Review status: criteria provided, single submitter. Criteria: Invitae Variant Classification Sherloc (09022015). Collection method: clinical testing. Allele origin: germline.
Comment: Algorithms developed to predict the effect of sequence changes on RNA splicing suggest that this variant may disrupt the consensus splice site. This sequence change affects an acceptor splice site in intron 2 of the CCDC151 gene. It is expected to disrupt RNA splicing. Variants that disrupt the donor or acceptor splice site typically lead to a loss of protein function (PMID: 16199547), and loss-of-function variants in CCDC151 are known to be pathogenic (PMID: 25192045). This variant is not present in population databases (gnomAD no frequency). This variant has not been reported in the literature in individuals affected with CCDC151-related conditions. In summary, the currently available evidence indicates that the variant is pathogenic, but additional data are needed to prove that conclusively. Therefore, this variant has been classified as Likely Pathogenic.

Literature cited by the submitters: PubMed 16199547; PubMed 25192045.